The following is an entry in ClinVar:

NM_198253.3(TERT):c.448G>T (p.Val150Phe)

Gene: TERT (telomerase reverse transcriptase; minus strand). Cytogenetic location: 5p15.33.
Variant type: single nucleotide variant.
Coding change: c.448G>T on transcript NM_198253.3 (MANE Select); coding-DNA position 448, G replaced by T.
Protein change: p.Val150Phe; replaces valine 150 with phenylalanine.
Molecular consequence: missense variant. On other transcripts: non-coding transcript variant (2).
Genome position (GRCh38, 1-based): chr5:1,294,438, C>A on the plus strand (G>T on the coding strand, the complement: TERT is on the minus strand). VCF-style: chr5-1294438-C-A. GRCh37 (hg19) VCF-style: chr5-1294553-C-A.
Other names: c.448G>T, p.Val150Phe (NM_001193376.3); short protein forms V150F.
Identifiers: ClinVar variation 1362902 (VCV001362902.8), dbSNP rs1751244550, ClinGen allele CA359058011.

ClinVar aggregate classification (germline): Uncertain significance (1 of 4 stars; one submission).

Conditions:
Idiopathic Pulmonary Fibrosis. Also called: Idiopathic fibrosing alveolitis, chronic form; idiopathic fibrosing alveolitis. Identifiers: Orphanet 2032, MedGen C1800706, MeSH D054990, MONDO:0800504.
Dyskeratosis congenita, autosomal dominant 2. Identifiers: MedGen C3151443, MONDO:0013521, OMIM 613989.

Submission:

Labcorp Genetics (formerly Invitae), Labcorp
Classification: Uncertain significance for Dyskeratosis congenita, autosomal dominant 2; Idiopathic Pulmonary Fibrosis. Last evaluated: 2021-06-21. Review status: criteria provided, single submitter. Criteria: Invitae Variant Classification Sherloc (09022015). Collection method: clinical testing. Allele origin: germline.
Comment: This variant has not been reported in the literature in individuals with TERT-related conditions. Advanced modeling of protein sequence and biophysical properties (such as structural, functional, and spatial information, amino acid conservation, physicochemical variation, residue mobility, and thermodynamic stability) performed at Invitae indicates that this missense variant is expected to disrupt TERT protein function. In summary, the available evidence is currently insufficient to determine the role of this variant in disease. Therefore, it has been classified as a Variant of Uncertain Significance. This variant is not present in population databases (ExAC no frequency). This sequence change replaces valine with phenylalanine at codon 150 of the TERT protein (p.Val150Phe). The valine residue is weakly conserved and there is a small physicochemical difference between valine and phenylalanine.